The following is an entry in ClinVar:

NM_032802.4(SPPL2A):c.733+6A>C

Gene: SPPL2A (signal peptide peptidase like 2A; minus strand). Cytogenetic location: 15q21.2.
Variant type: single nucleotide variant.
Coding change: c.733+6A>C on transcript NM_032802.4 (MANE Select); 6 bases into the intron after coding-DNA position 733, A replaced by C.
Molecular consequence: intron variant.
Genome position (GRCh38, 1-based): chr15:50,739,674, T>G on the plus strand (A>C on the coding strand, the complement: SPPL2A is on the minus strand). VCF-style: chr15-50739674-T-G. GRCh37 (hg19) VCF-style: chr15-51031871-T-G.
Identifiers: ClinVar variation 1353714 (VCV001353714.6), dbSNP rs2062802373, ClinGen allele CA2176536701.

ClinVar aggregate classification (germline): Uncertain significance (1 of 4 stars; one submission).

Allele frequency attached by ClinVar (database versions not stated): TOPMed below 0.00001.
gnomAD v4.1: 1 of 1,552,056 alleles (0.000064%); highest among the groups gnomAD compares: Admixed American, 0.002%; no homozygotes.

Submission:

Labcorp Genetics (formerly Invitae), Labcorp
Classification: Uncertain significance. Last evaluated: 2021-05-14. Review status: criteria provided, single submitter. Criteria: Invitae Variant Classification Sherloc (09022015). Collection method: clinical testing. Allele origin: germline.
Comment: In summary, the available evidence is currently insufficient to determine the role of this variant in disease. Therefore, it has been classified as a Variant of Uncertain Significance. Nucleotide substitutions within the consensus splice site are a relatively common cause of aberrant splicing (PMID: 17576681, 9536098). Algorithms developed to predict the effect of sequence changes on RNA splicing suggest that this variant is not likely to affect RNA splicing, but this prediction has not been confirmed by published transcriptional studies. This variant has not been reported in the literature in individuals with SPPL2A-related conditions. This variant is not present in population databases (ExAC no frequency). This sequence change falls in intron 6 of the SPPL2A gene. It does not directly change the encoded amino acid sequence of the SPPL2A protein. It affects a nucleotide within the consensus splice site of the intron.

Literature cited by the submitters: PubMed 17576681; PubMed 9536098.